The following is an entry in ClinVar:

ClinVar aggregate classification (germline): Benign/Likely benign. Review status: criteria provided, multiple submitters, no conflicts (2 of 4 stars). 3 submissions from 3 submitters: Benign (1); Likely benign (2). Last evaluated 2026-07-09.

Conditions:
Hereditary cancer-predisposing syndrome. Also called: Hereditary Cancer Syndrome; Hereditary neoplastic syndrome; Neoplastic Syndromes, Hereditary; Tumor predisposition. Identifiers: Orphanet 140162, MedGen C0027672, MeSH D009386, MONDO:0015356.
Rhabdoid tumor predisposition syndrome 2 (RTPS2). Identifiers: Orphanet 231108, Orphanet 69077, MedGen C2750074, MONDO:0013224, OMIM 613325.

Allele frequency attached by ClinVar (database versions not stated): gnomAD exomes below 0.00001; gnomAD 0.00001.
gnomAD v4.1: 3 of 1,611,184 alleles (0.00019%); highest among the groups gnomAD compares: Non-Finnish European, 0.00025%; no homozygotes.

Submissions (3):

Myriad Genetics, Inc.
Classification: Benign for Rhabdoid tumor predisposition syndrome 2. Last evaluated: 2026-07-09. Review status: criteria provided, single submitter. Criteria: Myriad Autosomal Dominant, Autosomal Recessive and X-Linked Classification Criteria (2023). Collection method: clinical testing. Allele origin: unknown.
Comment: This variant is considered benign. This variant is a silent/synonymous amino acid change and it is not expected to impact splicing.

Labcorp Genetics (formerly Invitae), Labcorp
Classification: Likely benign for Rhabdoid tumor predisposition syndrome 2. Last evaluated: 2025-07-14. Review status: criteria provided, single submitter. Criteria: Invitae Variant Classification Sherloc (09022015). Collection method: clinical testing. Allele origin: germline.

Ambry Genetics
Classification: Likely benign for Hereditary cancer-predisposing syndrome. Last evaluated: 2018-05-24. Review status: criteria provided, single submitter. Criteria: Ambry Variant Classification Scheme 2023. Collection method: clinical testing. Allele origin: germline.

NM_003072.5(SMARCA4):c.1033C>T (p.Leu345=)

Gene: SMARCA4 (SWI/SNF related BAF chromatin remodeling complex subunit ATPase 4; plus strand). Cytogenetic location: 19p13.2.
Variant type: single nucleotide variant.
Coding change: c.1033C>T on transcript NM_003072.5 (MANE Select); coding-DNA position 1033, C replaced by T.
Protein change: p.Leu345=; no amino-acid change (leucine 345 retained).
Molecular consequence: synonymous variant. On other transcripts: non-coding transcript variant (1).
Genome position (GRCh38, 1-based): chr19:10,987,839, C>T. VCF-style: chr19-10987839-C-T. GRCh37 (hg19) VCF-style: chr19-11098515-C-T.
Other names: c.1033C>T, p.Leu345= (NM_001128844.3, NM_001128845.2, NM_001128846.2 and 5 more transcripts).
Identifiers: ClinVar variation 1099774 (VCV001099774.12), dbSNP rs888226264, ClinGen allele CA505489720.